The following is an entry in ClinVar:

ClinVar aggregate classification (germline): Uncertain significance (1 of 4 stars; one submission).

Submission:

GeneDx
Classification: Uncertain significance. Last evaluated: 2026-03-11. Review status: criteria provided, single submitter. Criteria: GeneDx Variant Classification Process June 2021. Collection method: clinical testing. Allele origin: germline.
Comment: Not observed at significant frequency in large population cohorts (gnomAD); In silico analysis suggests that this missense variant does not alter protein structure/function; Has not been previously published as pathogenic or benign to our knowledge

NM_001330574.2(ZNF711):c.697G>A (p.Asp233Asn)

Gene: ZNF711 (ZFX family zinc finger ZNF711; plus strand). Cytogenetic location: Xq21.1.
Variant type: single nucleotide variant.
Coding change: c.697G>A on transcript NM_001330574.2 (MANE Select); coding-DNA position 697, G replaced by A.
Protein change: p.Asp233Asn; replaces aspartic acid 233 with asparagine.
Molecular consequence: missense variant.
Genome position (GRCh38, 1-based): chrX:85,264,349, G>A. VCF-style: chrX-85264349-G-A. GRCh37 (hg19) VCF-style: chrX-84519355-G-A.
Other names: c.697G>A, p.Asp233Asn (NM_001375431.1, NM_001375432.1, NM_001375433.1 and 5 more transcripts); short protein forms D233N.
Identifiers: ClinVar variation 5009047 (VCV005009047.1).